The following is an entry in ClinVar:

NM_001382508.1(DROSHA):c.261G>A (p.Pro87=)

Gene: DROSHA (drosha ribonuclease III; minus strand). Cytogenetic location: 5p13.3.
Variant type: single nucleotide variant.
Coding change: c.261G>A on transcript NM_001382508.1 (MANE Select); coding-DNA position 261, G replaced by A.
Protein change: p.Pro87=; no amino-acid change (proline 87 retained).
Molecular consequence: synonymous variant.
Genome position (GRCh38, 1-based): chr5:31,526,672, C>T on the plus strand (G>A on the coding strand, the complement: DROSHA is on the minus strand). VCF-style: chr5-31526672-C-T. GRCh37 (hg19) VCF-style: chr5-31526779-C-T.
Other names: c.261G>A, p.Pro87= (NM_001100412.2, NM_013235.5).
Identifiers: ClinVar variation 769297 (VCV000769297.7), dbSNP rs34318439, ClinGen allele CA3217989.

ClinVar aggregate classification (germline): Benign. Review status: criteria provided, multiple submitters, no conflicts (2 of 4 stars). 3 submissions from 3 submitters: Benign (2). 1 of the submissions does not count toward it. Last evaluated 2019-12-31.

Conditions:
DROSHA-related disorder. Also called: DROSHA-related condition.

Allele frequency attached by ClinVar (database versions not stated): ExAC 0.00760; TOPMed 0.01258; ESP Exome Variant Server 0.01370; 1000 Genomes Project 0.01897; 1000 Genomes Project 30x 0.02077.
gnomAD v4.1: 6,855 of 1,323,714 alleles (0.52%); highest among the groups gnomAD compares: African/African-American, 5%; 103 homozygotes.

Submissions (3):

Labcorp Genetics (formerly Invitae), Labcorp
Classification: Benign. Last evaluated: 2019-12-31. Review status: criteria provided, single submitter. Criteria: Invitae Variant Classification Sherloc (09022015). Collection method: clinical testing. Allele origin: germline.

Breakthrough Genomics
Classification: Benign. Review status: criteria provided, single submitter. Criteria: ACMG Guidelines, 2015. Collection method: not provided. Allele origin: germline. Inheritance: Unknown mechanism. Affected: yes.

PreventionGenetics, part of Exact Sciences
Classification: Benign for DROSHA-related condition. Last evaluated: 2019-11-25. Review status: no assertion criteria provided. Collection method: clinical testing. Allele origin: germline. Not counted in ClinVar's aggregate classification.
Comment: This variant is classified as benign based on ACMG/AMP sequence variant interpretation guidelines (Richards et al. 2015 PMID: 25741868, with internal and published modifications).